The following is an entry in ClinVar:

ClinVar aggregate classification (germline): Uncertain significance (1 of 4 stars; one submission).

Conditions:
Brugada syndrome 8 (BRGDA8). Identifiers: Orphanet 130, MedGen C2751083, MONDO:0013148, OMIM 613123.

Submission:

Labcorp Genetics (formerly Invitae), Labcorp
Classification: Uncertain significance for Brugada syndrome 8. Last evaluated: 2024-02-29. Review status: criteria provided, single submitter. Criteria: Invitae Variant Classification Sherloc (09022015). Collection method: clinical testing. Allele origin: germline.
Comment: This sequence change replaces glutamine, which is neutral and polar, with arginine, which is basic and polar, at codon 930 of the HCN4 protein (p.Gln930Arg). This variant is not present in population databases (gnomAD no frequency). This variant has not been reported in the literature in individuals affected with HCN4-related conditions. Advanced modeling of protein sequence and biophysical properties (such as structural, functional, and spatial information, amino acid conservation, physicochemical variation, residue mobility, and thermodynamic stability) performed at Invitae indicates that this missense variant is not expected to disrupt HCN4 protein function with a negative predictive value of 95%. In summary, the available evidence is currently insufficient to determine the role of this variant in disease. Therefore, it has been classified as a Variant of Uncertain Significance.

NM_005477.3(HCN4):c.2789A>G (p.Gln930Arg)

Gene: HCN4 (hyperpolarization activated cyclic nucleotide gated potassium channel 4; minus strand). Cytogenetic location: 15q24.1.
Variant type: single nucleotide variant.
Coding change: c.2789A>G on transcript NM_005477.3 (MANE Select); coding-DNA position 2789, A replaced by G.
Protein change: p.Gln930Arg; replaces glutamine 930 with arginine.
Molecular consequence: missense variant.
Genome position (GRCh38, 1-based): chr15:73,323,304, T>C on the plus strand (A>G on the coding strand, the complement: HCN4 is on the minus strand). VCF-style: chr15-73323304-T-C. GRCh37 (hg19) VCF-style: chr15-73615645-T-C.
Other names: short protein forms Q930R.
Identifiers: ClinVar variation 3603394 (VCV003603394.2).